The following is an entry in ClinVar:

NM_000535.7(PMS2):c.2581C>G (p.Gln861Glu)

Gene: PMS2 (PMS1 homolog 2, mismatch repair system component; minus strand). Cytogenetic location: 7p22.1.
Variant type: single nucleotide variant.
Coding change: c.2581C>G on transcript NM_000535.7 (MANE Select); coding-DNA position 2581, C replaced by G.
Protein change: p.Gln861Glu; replaces glutamine 861 with glutamic acid.
Molecular consequence: missense variant. On other transcripts: non-coding transcript variant (1).
Genome position (GRCh38, 1-based): chr7:5,973,407, G>C on the plus strand (C>G on the coding strand, the complement: PMS2 is on the minus strand). VCF-style: chr7-5973407-G-C. GRCh37 (hg19) VCF-style: chr7-6013038-G-C.
Other names: c.2176C>G, p.Gln726Glu (NM_001322003.2, NM_001322004.2, NM_001322005.2 and 11 more transcripts); c.2425C>G, p.Gln809Glu (NM_001322006.2); c.2263C>G, p.Gln755Glu (NM_001322007.2, NM_001322008.2, NM_001406883.1); c.2209C>G, p.Gln737Glu (NM_001322009.2, NM_001406887.1, NM_001406888.1); c.2020C>G, p.Gln674Glu (NM_001322010.2, NM_001406906.1, NM_001406907.1); c.1648C>G, p.Gln550Glu (NM_001322011.2, NM_001322012.2); c.2008C>G, p.Gln670Glu (NM_001322013.2, NM_001406908.1, NM_001406909.1); c.2614C>G, p.Gln872Glu (NM_001322014.2); and 20 more; short protein forms Q670E, Q703E, Q706E, Q749E, Q753E, Q758E, Q820E, Q869E.
Identifiers: ClinVar variation 3890953 (VCV003890953.1).
Genomic context (GRCh38, chr7:5,973,407, plus strand): 5'-TCAAAACATAAAAATCTGCGATAAAACCAATTATTCCATACAGTGACTACGGTCAGTTCT[G>C]AGAAATGACACCCAGGTTGGCGATGTGTCTCATGGTTGGCCTTCCATGGGGACAGTTCCA-3'
Protein context (NP_000526.2, residues 851-862): RHIANLGVIS[Gln861Glu]N

ClinVar aggregate classification (germline): Uncertain significance (1 of 4 stars; one submission).

Conditions:
Hereditary cancer-predisposing syndrome. Also called: Tumor predisposition; Neoplastic Syndromes, Hereditary; Hereditary Cancer Syndrome; Hereditary neoplastic syndrome. Identifiers: Orphanet 140162, MedGen C0027672, MeSH D009386, MONDO:0015356.

Submission:

Ambry Genetics
Classification: Uncertain significance for Hereditary cancer-predisposing syndrome. Last evaluated: 2025-02-03. Review status: criteria provided, single submitter. Criteria: Ambry Variant Classification Scheme 2023. Collection method: clinical testing. Allele origin: germline.
Comment: The p.Q861E variant (also known as c.2581C>G), located in coding exon 15 of the PMS2 gene, results from a C to G substitution at nucleotide position 2581. The glutamine at codon 861 is replaced by glutamic acid, an amino acid with highly similar properties. This amino acid position is conserved. In addition, the in silico prediction for this alteration is inconclusive. Based on the available evidence, the clinical significance of this variant remains unclear.